The following is an entry in ClinVar:

NM_205836.3(FBXO38):c.3354C>G (p.Ser1118Arg)

Gene: FBXO38 (F-box protein 38; plus strand). Cytogenetic location: 5q32.
Variant type: single nucleotide variant.
Coding change: c.3354C>G on transcript NM_205836.3 (MANE Select); coding-DNA position 3354, C replaced by G.
Protein change: p.Ser1118Arg; replaces serine 1118 with arginine.
Molecular consequence: missense variant.
Genome position (GRCh38, 1-based): chr5:148,441,203, C>G. VCF-style: chr5-148441203-C-G. GRCh37 (hg19) VCF-style: chr5-147820766-C-G.
Other names: c.2619C>G, p.Ser873Arg (NM_001271723.2); c.3129C>G, p.Ser1043Arg (NM_030793.5); short protein forms S1043R, S873R, S1118R.
Identifiers: ClinVar variation 947634 (VCV000947634.12), dbSNP rs147580008, ClinGen allele CA361661425.

ClinVar aggregate classification (germline): Uncertain significance. Review status: criteria provided, multiple submitters, no conflicts (2 of 4 stars). 2 submissions from 2 submitters: Uncertain significance (2). Last evaluated 2026-08-12.

Conditions:
FBXO38-related disorder. Also called: FBXO38-related condition.
Distal hereditary motor neuropathy type 2. Identifiers: Orphanet 139525, MedGen C3711384, MeSH C580044, MONDO:0015352.

Allele frequency attached by ClinVar (database versions not stated): TOPMed 0.00001; gnomAD exomes 0.00002.
gnomAD v4.1: 30 of 1,613,540 alleles (0.0019%); highest among the groups gnomAD compares: Non-Finnish European, 0.0025%; no homozygotes.

Submissions (2):

PreventionGenetics, part of Exact Sciences
Classification: Uncertain significance for FBXO38-related condition. Last evaluated: 2026-08-12. Review status: criteria provided, single submitter. Criteria: ACMG Guidelines, 2015. Collection method: clinical testing. Allele origin: germline.
Comment: The FBXO38 c.3129C>G variant is predicted to result in the amino acid substitution p.Ser1043Arg. To our knowledge, this variant has not been reported in the literature. This variant is reported in 0.0016% of alleles in individuals of European (Non-Finnish) descent in gnomAD. At this time, the clinical significance of this variant is uncertain due to the absence of conclusive functional and genetic evidence.

Labcorp Genetics (formerly Invitae), Labcorp
Classification: Uncertain significance for Distal hereditary motor neuropathy type 2. Last evaluated: 2025-05-18. Review status: criteria provided, single submitter. Criteria: Invitae Variant Classification Sherloc (09022015). Collection method: clinical testing. Allele origin: germline.
Comment: This sequence change replaces serine, which is neutral and polar, with arginine, which is basic and polar, at codon 1043 of the FBXO38 protein (p.Ser1043Arg). This variant is present in population databases (no rsID available, gnomAD 0.004%). This variant has not been reported in the literature in individuals affected with FBXO38-related conditions. ClinVar contains an entry for this variant (Variation ID: 947634). An algorithm developed to predict the effect of missense changes on protein structure and function (PolyPhen-2) suggests that this variant is likely to be disruptive. In summary, the available evidence is currently insufficient to determine the role of this variant in disease. Therefore, it has been classified as a Variant of Uncertain Significance.